The following is an entry in ClinVar:

NM_001142800.2(EYS):c.7103A>G (p.Lys2368Arg)

Gene: EYS (eyes shut homolog; minus strand). Cytogenetic location: 6q12.
Variant type: single nucleotide variant.
Coding change: c.7103A>G on transcript NM_001142800.2 (MANE Select); coding-DNA position 7103, A replaced by G.
Protein change: p.Lys2368Arg; replaces lysine 2368 with arginine.
Molecular consequence: missense variant.
Genome position (GRCh38, 1-based): chr6:63,864,311, T>C on the plus strand (A>G on the coding strand, the complement: EYS is on the minus strand). VCF-style: chr6-63864311-T-C. GRCh37 (hg19) VCF-style: chr6-64574204-T-C.
Other names: c.7103A>G, p.Lys2368Arg (NM_001292009.2); short protein forms K2368R.
Identifiers: ClinVar variation 1443502 (VCV001443502.5), dbSNP rs2149709736, ClinGen allele CA364386594.
Genomic context (GRCh38, chr6:63,864,311, plus strand): 5'-GGAACACAGGTGGCACCATTTCCACATGGGTTGTTTTCACAACTTGCAAACTGGCACAGC[T>C]TGCCTGAATACAGCCTTGGACACTCACAAAACAGATTTTCATTATCACTGAGAAGGGAAA-3'
Protein context (NP_001136272.1, residues 2358-2378): FCECPRLYSG[Lys2368Arg]LCQFASCENN

ClinVar aggregate classification (germline): Uncertain significance (1 of 4 stars; one submission).

gnomAD v4.1: 4 of 1,551,734 alleles (0.00026%); highest among the groups gnomAD compares: Non-Finnish European, 0.00035%; no homozygotes.

Submission:

Labcorp Genetics (formerly Invitae), Labcorp
Classification: Uncertain significance. Last evaluated: 2021-09-17. Review status: criteria provided, single submitter. Criteria: Invitae Variant Classification Sherloc (09022015). Collection method: clinical testing. Allele origin: germline.
Comment: This sequence change replaces lysine with arginine at codon 2368 of the EYS protein (p.Lys2368Arg). The lysine residue is highly conserved and there is a small physicochemical difference between lysine and arginine. This variant is not present in population databases (ExAC no frequency). This variant has not been reported in the literature in individuals with EYS-related conditions. Algorithms developed to predict the effect of missense changes on protein structure and function output the following: SIFT: "Tolerated"; PolyPhen-2: "Benign"; Align-GVGD: "Class C0". The arginine amino acid residue is found in multiple mammalian species, suggesting that this missense change does not adversely affect protein function. These predictions have not been confirmed by published functional studies and their clinical significance is uncertain. In summary, the available evidence is currently insufficient to determine the role of this variant in disease. Therefore, it has been classified as a Variant of Uncertain Significance.